The following is an entry in ClinVar:

ClinVar aggregate classification (germline): Conflicting classifications of pathogenicity. Review status: criteria provided, conflicting classifications (1 of 4 stars). 3 submissions from 3 submitters: Uncertain significance (1); Likely benign (2). Last evaluated 2026-06-01.

Conditions:
Inborn genetic diseases. Identifiers: MedGen C0950123, MeSH D030342.

Allele frequency attached by ClinVar (database versions not stated): 1000 Genomes Project 30x 0.00031; 1000 Genomes Project 0.00040.
gnomAD v4.1: 274 of 1,614,182 alleles (0.017%); highest among the groups gnomAD compares: African/African-American, 0.21%; no homozygotes.

Submissions (3):

CeGaT Center for Human Genetics Tuebingen
Classification: Likely benign. Last evaluated: 2026-06-01. Review status: criteria provided, single submitter. Criteria: CeGaT Center For Human Genetics Tuebingen Variant Classification Criteria Version 2. Collection method: clinical testing. Allele origin: germline. Affected: yes. Observed: 1 variant allele.
Comment: SPEG: BP4

Labcorp Genetics (formerly Invitae), Labcorp
Classification: Likely benign. Last evaluated: 2026-01-24. Review status: criteria provided, single submitter. Criteria: Invitae Variant Classification Sherloc (09022015). Collection method: clinical testing. Allele origin: germline.

Ambry Genetics
Classification: Uncertain significance for Inborn genetic diseases. Last evaluated: 2025-10-29. Review status: criteria provided, single submitter. Criteria: Ambry Variant Classification Scheme 2023. Collection method: clinical testing. Allele origin: germline.

NM_005876.5(SPEG):c.4928G>A (p.Arg1643His)

Gene: SPEG (striated muscle enriched protein kinase; plus strand). Cytogenetic location: 2q35.
Variant type: single nucleotide variant.
Coding change: c.4928G>A on transcript NM_005876.5 (MANE Select); coding-DNA position 4928, G replaced by A.
Protein change: p.Arg1643His; replaces arginine 1643 with histidine.
Molecular consequence: missense variant.
Genome position (GRCh38, 1-based): chr2:219,478,006, G>A. VCF-style: chr2-219478006-G-A. GRCh37 (hg19) VCF-style: chr2-220342728-G-A.
Other names: c.4928G>A (NM_005876.4); short protein forms R1643H.
Identifiers: ClinVar variation 1539299 (VCV001539299.12), dbSNP rs79987208, ClinGen allele CA2126675.
Genomic context (GRCh38, chr2:219,478,006, plus strand): 5'-CCGGCCTGGAGTTTGCGGCCAAGTTCATCCCCAGCCAGGCCAAGCCAAAGGCATCAGCGC[G>A]TCGGGAGGCCCGGCTGCTGGCCAGGCTCCAGCACGACTGTGTCCTCTACTTCCATGAGGC-3'
Protein context (NP_005867.3, residues 1633-1653): PSQAKPKASA[Arg1643His]REARLLARLQ